The following is an entry in ClinVar:

ClinVar aggregate classification (germline): Pathogenic (1 of 4 stars; one submission).

Submission:

Labcorp Genetics (formerly Invitae), Labcorp
Classification: Pathogenic. Last evaluated: 2022-10-20. Review status: criteria provided, single submitter. Criteria: Invitae Variant Classification Sherloc (09022015). Collection method: clinical testing. Allele origin: germline.
Comment: This variant is a gross deletion of the genomic region encompassing exon(s) 2-6 of the UBE2T gene, which includes the initiator codon. This deletion extends beyond the assayed region for this gene and therefore may encompass additional genes. It is expected to result in an absent or disrupted protein product. Loss-of-function variants in UBE2T are known to be pathogenic (PMID: 26046368, 26119737). A similar copy number variant has been observed in individual(s) with Fanconi anemia (PMID: 26085575, 26119737). For these reasons, this variant has been classified as Pathogenic.

Literature cited by the submitters: PubMed 26046368; PubMed 26119737; PubMed 26085575.

NC_000001.10:g.(?_202302118)_(202304882_?)del

Gene: UBE2T (ubiquitin conjugating enzyme E2 T; minus strand). Cytogenetic location: 1q32.1.
Variant type: Deletion.
Identifiers: ClinVar variation 2425911 (VCV002425911.3).